The following is an entry in ClinVar:

ClinVar aggregate classification (germline): Uncertain significance (1 of 4 stars; one submission).

Conditions:
TUBB4A-related disorder. Also called: TUBB4A-related condition.

gnomAD v4.1: 31 of 1,613,970 alleles (0.0019%); highest among the groups gnomAD compares: Non-Finnish European, 0.0025%; no homozygotes.

Submission:

PreventionGenetics, part of Exact Sciences
Classification: Uncertain significance for TUBB4A-related condition. Last evaluated: 2025-03-25. Review status: criteria provided, single submitter. Criteria: ACMG Guidelines, 2015. Collection method: clinical testing. Allele origin: germline.
Comment: The TUBB4A c.1300G>A variant is predicted to result in the amino acid substitution p.Glu434Lys. To our knowledge, this variant has not been reported in the literature. This variant is reported in 0.0018% of alleles in individuals of European (Non-Finnish) descent in gnomAD. At this time, the clinical significance of this variant is uncertain due to the absence of conclusive functional and genetic evidence.

NM_006087.4(TUBB4A):c.1300G>A (p.Glu434Lys)

Gene: TUBB4A (tubulin beta 4A class IVa; minus strand). Cytogenetic location: 19p13.3.
Variant type: single nucleotide variant.
Coding change: c.1300G>A on transcript NM_006087.4 (MANE Select); coding-DNA position 1300, G replaced by A.
Protein change: p.Glu434Lys; replaces glutamic acid 434 with lysine.
Molecular consequence: missense variant.
Genome position (GRCh38, 1-based): chr19:6,495,199, C>T on the plus strand (G>A on the coding strand, the complement: TUBB4A is on the minus strand). VCF-style: chr19-6495199-C-T. GRCh37 (hg19) VCF-style: chr19-6495210-C-T.
Other names: c.1453G>A, p.Glu485Lys (NM_001289123.2); c.1435G>A, p.Glu479Lys (NM_001289127.2); c.1300G>A, p.Glu434Lys (NM_001289129.2); c.1084G>A, p.Glu362Lys (NM_001289130.2, NM_001289131.2); short protein forms E479K, E362K, E485K, E434K.
Identifiers: ClinVar variation 4999217 (VCV004999217.1).